The following is an entry in ClinVar:

NM_002485.5(NBN):c.676del (p.Thr226fs)

Gene: NBN (nibrin; minus strand). Cytogenetic location: 8q21.3.
Variant type: Deletion.
Coding change: c.676del on transcript NM_002485.5 (MANE Select); coding-DNA position 676, one base deleted (A; older notation c.676delA).
Protein change: p.Thr226fs; shifts the reading frame from threonine 226.
Molecular consequence: frameshift variant.
Genome position (GRCh38, 1-based): chr8:89,971,199, T deleted on the plus strand (A on the coding strand, the reverse complement: NBN is on the minus strand); the first of 4 consecutive T bases (chr8:89,971,199-89,971,202); deleting any one gives the same sequence. VCF-style (leftmost placement, unchanged base first): chr8-89971198-GT-G. GRCh37 (hg19) VCF-style: chr8-90983426-GT-G.
Other names: c.430del, p.Thr144fs (NM_001024688.3); c.676delA (NM_002485.4); short protein forms T144fs, T226fs.
Identifiers: ClinVar variation 580755 (VCV000580755.17), dbSNP rs1563561558, ClinGen allele CA891842940.

ClinVar aggregate classification (germline): Pathogenic/Likely pathogenic. Review status: criteria provided, multiple submitters, no conflicts (2 of 4 stars). 5 submissions from 5 submitters: Pathogenic (3); Likely pathogenic (2). Last evaluated 2024-04-23.

Conditions:
Hereditary cancer-predisposing syndrome. Also called: Hereditary neoplastic syndrome; Tumor predisposition; Hereditary Cancer Syndrome; Neoplastic Syndromes, Hereditary. Identifiers: Orphanet 140162, MedGen C0027672, MeSH D009386, MONDO:0015356.
Microcephaly, normal intelligence and immunodeficiency (NBS). Also called: BERLIN BREAKAGE SYNDROME; SEEMANOVA SYNDROME II; Ataxia telangiectasia variant V1; IMMUNODEFICIENCY, MICROCEPHALY, AND CHROMOSOMAL INSTABILITY; Immunodeficiency, microcephaly with normal intelligence; Nijmegen breakage syndrome. Identifiers: Orphanet 647, MedGen C0398791, MONDO:0009623, OMIM 251260.
Aplastic anemia. Identifiers: Orphanet 182040, Orphanet 88, MedGen C0002874, MONDO:0015909, OMIM 609135, HP:0001915.
Acute lymphoid leukemia (ALL). Also called: Acute lymphoblastic leukemia; Acute lymphocytic leukemia; Leukemia, acute lymphoblastic, somatic; Lymphoblastic leukemia. Identifiers: Orphanet 513, MedGen C0023449, MONDO:0004967, OMIM 613065, HP:0006721.

Submissions (5):

Labcorp Genetics (formerly Invitae), Labcorp
Classification: Pathogenic for Microcephaly, normal intelligence and immunodeficiency. Last evaluated: 2024-04-23. Review status: criteria provided, single submitter. Criteria: Invitae Variant Classification Sherloc (09022015). Collection method: clinical testing. Allele origin: germline.
Comment: This sequence change creates a premature translational stop signal (p.Thr226Hisfs*5) in the NBN gene. It is expected to result in an absent or disrupted protein product. Loss-of-function variants in NBN are known to be pathogenic (PMID: 9590180, 16415040). This variant is not present in population databases (gnomAD no frequency). This variant has not been reported in the literature in individuals affected with NBN-related conditions. ClinVar contains an entry for this variant (Variation ID: 580755). For these reasons, this variant has been classified as Pathogenic.

Fulgent Genetics
Classification: Likely pathogenic for Microcephaly, normal intelligence and immunodeficiency; Aplastic anemia; Acute lymphoid leukemia. Last evaluated: 2024-03-13. Review status: criteria provided, single submitter. Criteria: ACMG Guidelines, 2015. Collection method: clinical testing. Allele origin: germline.

Quest Diagnostics Nichols Institute San Juan Capistrano
Classification: Likely pathogenic. Last evaluated: 2022-10-21. Review status: criteria provided, single submitter. Criteria: Quest Diagnostics criteria. Collection method: clinical testing. Allele origin: unknown.
Comment: This frameshift variant alters the translational reading frame of the NBN mRNA and is predicted to cause the premature termination of NBN protein synthesis. The variant has not been reported in the published literature. It also has not been reported in large, multi-ethnic general populations. Based on the available information, this variant is classified as likely pathogenic.

Ambry Genetics
Classification: Pathogenic for Hereditary cancer-predisposing syndrome. Last evaluated: 2022-05-03. Review status: criteria provided, single submitter. Criteria: Ambry Variant Classification Scheme 2023. Collection method: clinical testing. Allele origin: germline.
Comment: The c.676delA pathogenic mutation, located in coding exon 6 of the NBN gene, results from a deletion of one nucleotide at nucleotide position 676, causing a translational frameshift with a predicted alternate stop codon (p.T226Hfs*5). This alteration is expected to result in loss of function by premature protein truncation or nonsense-mediated mRNA decay. As such, this alteration is interpreted as a disease-causing mutation.

Genome-Nilou Lab
Classification: Pathogenic for Microcephaly, normal intelligence and immunodeficiency. Last evaluated: 2021-11-07. Review status: criteria provided, single submitter. Criteria: ACMG Guidelines, 2015. Collection method: clinical testing. Allele origin: germline. Affected: no.

Literature cited by the submitters: PubMed 9590180 (cited by Labcorp Genetics (formerly Invitae), Labcorp); PubMed 16415040 (cited by Labcorp Genetics (formerly Invitae), Labcorp).